The following is an entry in ClinVar:

ClinVar aggregate classification (germline): Likely benign (1 of 4 stars; one submission).

Submission:

CeGaT Center for Human Genetics Tuebingen
Classification: Likely benign. Last evaluated: 2025-12-01. Review status: criteria provided, single submitter. Criteria: CeGaT Center For Human Genetics Tuebingen Variant Classification Criteria Version 2. Collection method: clinical testing. Allele origin: germline. Affected: yes. Observed: 1 variant allele.
Comment: LTBP1: PM2:Supporting, BP4, BP7

NM_206943.4(LTBP1):c.294C>G (p.Leu98=)

Gene: LTBP1 (latent transforming growth factor beta binding protein 1; plus strand). Cytogenetic location: 2p22.3.
Variant type: single nucleotide variant.
Coding change: c.294C>G on transcript NM_206943.4 (MANE Select); coding-DNA position 294, C replaced by G.
Protein change: p.Leu98=; no amino-acid change (leucine 98 retained).
Molecular consequence: synonymous variant.
Genome position (GRCh38, 1-based): chr2:32,947,618, C>G. VCF-style: chr2-32947618-C-G. GRCh37 (hg19) VCF-style: chr2-33172685-C-G.
Other names: c.294C>G, p.Leu98= (NM_001394905.1).
Identifiers: ClinVar variation 4534452 (VCV004534452.6).